The following is an entry in ClinVar:

NM_005477.3(HCN4):c.1026C>G (p.Phe342Leu)

Genes: HCN4 (hyperpolarization activated cyclic nucleotide gated potassium channel 4; minus strand), LOC105370890 (uncharacterized LOC105370890; plus strand), LOC126862173 (CDK7 strongly-dependent group 2 enhancer GRCh37_chr15:73635762-73636961; plus strand). Cytogenetic location: 15q24.1.
Variant type: single nucleotide variant.
Coding change: c.1026C>G on transcript NM_005477.3 (MANE Select); coding-DNA position 1026, C replaced by G.
Protein change: p.Phe342Leu; replaces phenylalanine 342 with leucine.
Molecular consequence: missense variant.
Genome position (GRCh38, 1-based): chr15:73,343,568, G>C on the plus strand (C>G on the coding strand, the complement: HCN4 is on the minus strand). VCF-style: chr15-73343568-G-C. GRCh37 (hg19) VCF-style: chr15-73635909-G-C.
Other names: short protein forms F342L.
Identifiers: ClinVar variation 1513426 (VCV001513426.10), dbSNP rs2043017188, ClinGen allele CA393095010.
Genomic context (GRCh38, chr15:73,343,568, plus strand): 5'-GCGTGTCTCCACAATGAGGAAGATGTAGTCCACGGGGATGGAGGAAATGAAATCTACCAT[G>C]AACCAGCTTTTCAGGTACTTCATTTTAATCCGCTGCGGGTCCAGGATGATCTCTGTGTTG-3'
Protein context (NP_005468.1, residues 332-352): RIKMKYLKSW[Phe342Leu]MVDFISSIPV

ClinVar aggregate classification (germline): Uncertain significance. Review status: criteria provided, multiple submitters, no conflicts (2 of 4 stars). 3 submissions from 3 submitters: Uncertain significance (3). Last evaluated 2024-09-11.

Conditions:
Sick sinus syndrome 2, autosomal dominant (SSS2). Also called: SICK SINUS SYNDROME 2; SICK SINUS SYNDROME 2 WITH OR WITHOUT CARDIAC NONCOMPACTION AND/OR ASCENDING AORTA DILATION; SINUS BRADYCARDIA SYNDROME, FAMILIAL, AUTOSOMAL DOMINANT; SINUS NODE DISEASE, FAMILIAL, AUTOSOMAL DOMINANT; ATRIAL FIBRILLATION WITH BRADYARRHYTHMIA. Identifiers: Orphanet 166282, MedGen C1834144, MONDO:0008102, OMIM 163800.
Epilepsy, idiopathic generalized, susceptibility to, 18. Identifiers: MedGen C5561983, MONDO:0030434, OMIM 619521.
Brugada syndrome 8 (BRGDA8). Identifiers: Orphanet 130, MedGen C2751083, MONDO:0013148, OMIM 613123.
Cardiovascular phenotype. Identifiers: MedGen CN230736.

Allele frequency attached by ClinVar (database versions not stated): TOPMed 0.00001.

Submissions (3):

Ambry Genetics
Classification: Uncertain significance for Cardiovascular phenotype. Last evaluated: 2024-09-11. Review status: criteria provided, single submitter. Criteria: Ambry Variant Classification Scheme 2023. Collection method: clinical testing. Allele origin: germline.
Comment: The p.F342L variant (also known as c.1026C>G), located in coding exon 2 of the HCN4 gene, results from a C to G substitution at nucleotide position 1026. The phenylalanine at codon 342 is replaced by leucine, an amino acid with highly similar properties. This amino acid position is highly conserved in available vertebrate species. In addition, this alteration is predicted to be deleterious by in silico analysis. Since supporting evidence is limited at this time, the clinical significance of this alteration remains unclear.

Labcorp Genetics (formerly Invitae), Labcorp
Classification: Uncertain significance for Brugada syndrome 8. Last evaluated: 2023-05-14. Review status: criteria provided, single submitter. Criteria: Invitae Variant Classification Sherloc (09022015). Collection method: clinical testing. Allele origin: germline.
Comment: This variant has not been reported in the literature in individuals affected with HCN4-related conditions. ClinVar contains an entry for this variant (Variation ID: 1513426). Advanced modeling of protein sequence and biophysical properties (such as structural, functional, and spatial information, amino acid conservation, physicochemical variation, residue mobility, and thermodynamic stability) has been performed at Invitae for this missense variant, however the output from this modeling did not meet the statistical confidence thresholds required to predict the impact of this variant on HCN4 protein function. In summary, the available evidence is currently insufficient to determine the role of this variant in disease. Therefore, it has been classified as a Variant of Uncertain Significance. This sequence change replaces phenylalanine, which is neutral and non-polar, with leucine, which is neutral and non-polar, at codon 342 of the HCN4 protein (p.Phe342Leu). This variant is not present in population databases (gnomAD no frequency).

Fulgent Genetics
Classification: Uncertain significance for Sick sinus syndrome 2, autosomal dominant; Brugada syndrome 8; Epilepsy, idiopathic generalized, susceptibility to, 18. Last evaluated: 2021-09-10. Review status: criteria provided, single submitter. Criteria: ACMG Guidelines, 2015. Collection method: clinical testing. Allele origin: unknown.